The following is an entry in ClinVar:

ClinVar aggregate classification (germline): Uncertain significance. Review status: criteria provided, multiple submitters, no conflicts (2 of 4 stars). 3 submissions from 3 submitters: Uncertain significance (3). Last evaluated 2026-09-23.

Conditions:
FLNB-related disorder. Also called: FLNB-related disorders; FLNB-related condition. Identifiers: MedGen CN381095.
Inborn genetic diseases. Identifiers: MedGen C0950123, MeSH D030342.

gnomAD v4.1: 2 of 1,613,966 alleles (0.00012%); highest among the groups gnomAD compares: African/African-American, 0.0013%; no homozygotes.

Submissions (3):

PreventionGenetics, part of Exact Sciences
Classification: Uncertain significance for FLNB-related condition. Last evaluated: 2026-09-23. Review status: criteria provided, single submitter. Criteria: ACMG Guidelines, 2015. Collection method: clinical testing. Allele origin: germline.
Comment: The FLNB c.1507C>A variant is predicted to result in the amino acid substitution p.Gln503Lys. To our knowledge, this variant has not been reported in the literature or in a large population database (gnomAD), indicating this variant is rare. At this time, the clinical significance of this variant is uncertain due to the absence of conclusive functional and genetic evidence.

Labcorp Genetics (formerly Invitae), Labcorp
Classification: Uncertain significance. Last evaluated: 2025-10-10. Review status: criteria provided, single submitter. Criteria: Invitae Variant Classification Sherloc (09022015). Collection method: clinical testing. Allele origin: germline.
Comment: This sequence change replaces glutamine, which is neutral and polar, with lysine, which is basic and polar, at codon 503 of the FLNB protein (p.Gln503Lys). This variant is not present in population databases (gnomAD no frequency). This variant has not been reported in the literature in individuals affected with FLNB-related conditions. ClinVar contains an entry for this variant (Variation ID: 4025587). Invitae Evidence Modeling of protein sequence and biophysical properties (such as structural, functional, and spatial information, amino acid conservation, physicochemical variation, residue mobility, and thermodynamic stability) indicates that this missense variant is not expected to disrupt FLNB protein function with a negative predictive value of 95%. In summary, the available evidence is currently insufficient to determine the role of this variant in disease. Therefore, it has been classified as a Variant of Uncertain Significance.

Ambry Genetics
Classification: Uncertain significance for Inborn genetic diseases. Last evaluated: 2025-06-06. Review status: criteria provided, single submitter. Criteria: Ambry Variant Classification Scheme 2023. Collection method: clinical testing. Allele origin: germline.

NM_001457.4(FLNB):c.1507C>A (p.Gln503Lys)

Gene: FLNB (filamin B; plus strand). Cytogenetic location: 3p14.3.
Variant type: single nucleotide variant.
Coding change: c.1507C>A on transcript NM_001457.4 (MANE Select); coding-DNA position 1507, C replaced by A.
Protein change: p.Gln503Lys; replaces glutamine 503 with lysine.
Molecular consequence: missense variant.
Genome position (GRCh38, 1-based): chr3:58,103,982, C>A. VCF-style: chr3-58103982-C-A. GRCh37 (hg19) VCF-style: chr3-58089709-C-A.
Other names: c.1507C>A, p.Gln503Lys (NM_001164317.2, NM_001164318.2, NM_001164319.2); short protein forms Q503K.
Identifiers: ClinVar variation 4025587 (VCV004025587.3).